The following is an entry in ClinVar:

NM_004006.3(DMD):c.1704+2T>C

Gene: DMD (dystrophin; minus strand). Cytogenetic location: Xp21.1.
Variant type: single nucleotide variant.
Coding change: c.1704+2T>C on transcript NM_004006.3 (MANE Select); the canonical splice donor site of the intron after coding-DNA position 1704, T replaced by C.
Molecular consequence: splice donor variant.
Genome position (GRCh38, 1-based): chrX:32,573,743, A>G on the plus strand (T>C on the coding strand, the complement: DMD is on the minus strand). VCF-style: chrX-32573743-A-G. GRCh37 (hg19) VCF-style: chrX-32591860-A-G.
Other names: c.1680+2T>C (NM_000109.4); c.1692+2T>C (NM_004009.3); c.1335+2T>C (NM_004010.3).
Identifiers: ClinVar variation 1806439 (VCV001806439.1), dbSNP rs2149138024, ClinGen allele CA412673311.

ClinVar aggregate classification (germline): Likely pathogenic (1 of 4 stars; one submission).

Conditions:
Becker muscular dystrophy (BMD). Also called: MUSCULAR DYSTROPHY, PSEUDOHYPERTROPHIC PROGRESSIVE, BECKER TYPE; Becker Muscular Dystrophy (BMD). Identifiers: Orphanet 98895, MedGen C0917713, MONDO:0010311, OMIM 300376.

Submission:

Laboratory of Medical Genetics, National & Kapodistrian University of Athens
Classification: Likely pathogenic for Becker muscular dystrophy. Last evaluated: 2022-12-16. Review status: criteria provided, single submitter. Criteria: ACMG Guidelines, 2015. Collection method: clinical testing. Allele origin: germline. Affected: yes.
Comment: PVS1, PM2